The following is an entry in ClinVar:

NM_001048174.2(MUTYH):c.152C>A (p.Ala51Asp)

Gene: MUTYH (mutY DNA glycosylase; minus strand). Cytogenetic location: 1p34.1.
Variant type: single nucleotide variant.
Coding change: c.152C>A on transcript NM_001048174.2 (MANE Select); coding-DNA position 152, C replaced by A.
Protein change: p.Ala51Asp; replaces alanine 51 with aspartic acid.
Molecular consequence: missense variant. On other transcripts: 5 prime UTR variant (1), non-coding transcript variant (2), intron variant (3).
Genome position (GRCh38, 1-based): chr1:45,333,525, G>T on the plus strand (C>A on the coding strand, the complement: MUTYH is on the minus strand). VCF-style: chr1-45333525-G-T. GRCh37 (hg19) VCF-style: chr1-45799197-G-T.
Other names: c.152C>A, p.Ala51Asp (NM_001048171.2, NM_001048173.2, NM_001293195.2); c.155C>A, p.Ala52Asp (NM_001048172.2); c.236C>A, p.Ala79Asp (NM_001128425.2); c.197C>A, p.Ala66Asp (NM_001293190.2); c.185C>A, p.Ala62Asp (NM_001293191.2); c.-120C>A (NM_001350650.2); c.227C>A, p.Ala76Asp (NM_012222.3); c.-92-28C>A (NM_001350651.2); and 2 more; short protein forms A62D, A76D, A79D, A51D, A66D, A52D.
Identifiers: ClinVar variation 1493606 (VCV001493606.9), dbSNP rs1557487125, ClinGen allele CA340136573.
Genomic context (GRCh38, chr1:45,333,525, plus strand): 5'-CTCCCTCGGAAGGCTGTGACTTCAGCTACGTCTCTGAATAGATGGTATGAGGAGACAGAG[G>T]CCTGCAATACCACCTCTTCCGGCTGCCTGGCCAGGCCTGCTGGGGCCCCAGGACACTCAG-3'
Protein context (NP_001041639.1, residues 41-61): ARQPEEVVLQ[Ala51Asp]SVSSYHLFRD

ClinVar aggregate classification (germline): Conflicting classifications of pathogenicity. Review status: criteria provided, conflicting classifications (1 of 4 stars). 3 submissions from 3 submitters: Uncertain significance (2); Benign (1). Last evaluated 2025-09-09.

Conditions:
Hereditary cancer-predisposing syndrome. Also called: Tumor predisposition; Neoplastic Syndromes, Hereditary; Hereditary Cancer Syndrome; Hereditary neoplastic syndrome. Identifiers: Orphanet 140162, MedGen C0027672, MeSH D009386, MONDO:0015356.
Familial adenomatous polyposis 2. Also called: MYH-associated polyposis; Adenomas, multiple colorectal; COLORECTAL ADENOMATOUS POLYPOSIS, AUTOSOMAL RECESSIVE; ADENOMAS, MULTIPLE COLORECTAL, AUTOSOMAL RECESSIVE; FAP type 2; MUTYH Polyposis. Identifiers: Orphanet 220460, Orphanet 247798, MedGen C3272841, MONDO:0012041, OMIM 608456.

Submissions (3):

Ambry Genetics
Classification: Benign for Hereditary cancer-predisposing syndrome. Last evaluated: 2025-09-09. Review status: criteria provided, single submitter. Criteria: Ambry Variant Classification Scheme 2023. Collection method: clinical testing. Allele origin: germline.

Labcorp Genetics (formerly Invitae), Labcorp
Classification: Uncertain significance for Familial adenomatous polyposis 2. Last evaluated: 2024-05-06. Review status: criteria provided, single submitter. Criteria: Invitae Variant Classification Sherloc (09022015). Collection method: clinical testing. Allele origin: germline.
Comment: This sequence change replaces alanine, which is neutral and non-polar, with aspartic acid, which is acidic and polar, at codon 79 of the MUTYH protein (p.Ala79Asp). This variant is not present in population databases (gnomAD no frequency). This variant has not been reported in the literature in individuals affected with MUTYH-related conditions. ClinVar contains an entry for this variant (Variation ID: 1493606). An algorithm developed to predict the effect of missense changes on protein structure and function (PolyPhen-2) suggests that this variant is likely to be disruptive. In summary, the available evidence is currently insufficient to determine the role of this variant in disease. Therefore, it has been classified as a Variant of Uncertain Significance.

Color Diagnostics, LLC DBA Color Health
Classification: Uncertain significance for Hereditary cancer-predisposing syndrome. Last evaluated: 2024-03-24. Review status: criteria provided, single submitter. Criteria: ACMG Guidelines, 2015. Collection method: clinical testing. Allele origin: germline.
Comment: This missense variant replaces alanine with aspartic acid at codon 79 of the MUTYH protein. Computational prediction suggests that this variant may not impact protein structure and function (internally defined REVEL score threshold <= 0.5, PMID: 27666373). To our knowledge, functional studies have not been reported for this variant. This variant has not been reported in individuals affected with MUTYH-related disorders in the literature. This variant has not been identified in the general population by the Genome Aggregation Database (gnomAD). The available evidence is insufficient to determine the role of this variant in disease conclusively. Therefore, this variant is classified as a Variant of Uncertain Significance.